The following is an entry in ClinVar:

NM_021930.6(RINT1):c.784G>C (p.Glu262Gln)

Gene: RINT1 (RAD50 interactor 1; plus strand). Cytogenetic location: 7q22.3.
Variant type: single nucleotide variant.
Coding change: c.784G>C on transcript NM_021930.6 (MANE Select); coding-DNA position 784, G replaced by C.
Protein change: p.Glu262Gln; replaces glutamic acid 262 with glutamine.
Molecular consequence: missense variant. On other transcripts: 5 prime UTR variant (2), non-coding transcript variant (1), intron variant (1).
Genome position (GRCh38, 1-based): chr7:105,547,278, G>C. VCF-style: chr7-105547278-G-C. GRCh37 (hg19) VCF-style: chr7-105187725-G-C.
Other names: c.550G>C, p.Glu184Gln (NM_001346599.2); c.-236G>C (NM_001346600.2); c.-139G>C (NM_001346601.2); c.-27-2777G>C (NM_001346603.2); c.784G>C (NM_021930.4); short protein forms E184Q, E262Q.
Identifiers: ClinVar variation 1022081 (VCV001022081.9), dbSNP rs1790709176, ClinGen allele CA368806370.

ClinVar aggregate classification (germline): Uncertain significance. Review status: criteria provided, multiple submitters, no conflicts (2 of 4 stars). 2 submissions from 2 submitters: Uncertain significance (2). Last evaluated 2025-05-27.

Submissions (2):

Labcorp Genetics (formerly Invitae), Labcorp
Classification: Uncertain significance. Last evaluated: 2025-05-27. Review status: criteria provided, single submitter. Criteria: Invitae Variant Classification Sherloc (09022015). Collection method: clinical testing. Allele origin: germline.
Comment: This sequence change replaces glutamic acid, which is acidic and polar, with glutamine, which is neutral and polar, at codon 262 of the RINT1 protein (p.Glu262Gln). This variant is not present in population databases (gnomAD no frequency). This variant has not been reported in the literature in individuals affected with RINT1-related conditions. ClinVar contains an entry for this variant (Variation ID: 1022081). An algorithm developed to predict the effect of missense changes on protein structure and function (PolyPhen-2) suggests that this variant is likely to be disruptive. In summary, the available evidence is currently insufficient to determine the role of this variant in disease. Therefore, it has been classified as a Variant of Uncertain Significance.

Ambry Genetics
Classification: Uncertain significance. Last evaluated: 2025-01-25. Review status: criteria provided, single submitter. Criteria: Ambry Variant Classification Scheme 2023. Collection method: clinical testing. Allele origin: germline.
Comment: The p.E262Q variant (also known as c.784G>C), located in coding exon 6 of the RINT1 gene, results from a G to C substitution at nucleotide position 784. The glutamic acid at codon 262 is replaced by glutamine, an amino acid with highly similar properties. This amino acid position is conserved. In addition, this alteration is predicted to be tolerated by in silico analysis. Based on the available evidence, the clinical significance of this variant remains unclear.